The following is an entry in ClinVar:

ClinVar aggregate classification (germline): Uncertain significance (1 of 4 stars; one submission).

Conditions:
Immunodeficiency, common variable, 2 (CVID2). Also called: ANTIBODY DEFICIENCY DUE TO TACI DEFECT; HYPOGAMMAGLOBULINEMIA DUE TO TACI DEFICIENCY. Identifiers: Orphanet 1572, MedGen C3150354, MONDO:0009413, OMIM 240500.

Allele frequency attached by ClinVar (database versions not stated): gnomAD 0.00004; TOPMed 0.00005; ExAC 0.00002.
gnomAD v4.1: 37 of 1,614,090 alleles (0.0023%); highest among the groups gnomAD compares: East Asian, 0.06%; 1 homozygote.

Submission:

Labcorp Genetics (formerly Invitae), Labcorp
Classification: Uncertain significance for Immunodeficiency, common variable, 2. Last evaluated: 2025-08-06. Review status: criteria provided, single submitter. Criteria: Invitae Variant Classification Sherloc (09022015). Collection method: clinical testing. Allele origin: germline.
Comment: This sequence change replaces glutamic acid, which is acidic and polar, with glutamine, which is neutral and polar, at codon 37 of the TNFRSF13B protein (p.Glu37Gln). This variant is present in population databases (rs752740455, gnomAD 0.006%). This variant has not been reported in the literature in individuals affected with TNFRSF13B-related conditions. ClinVar contains an entry for this variant (Variation ID: 3001521). Invitae Evidence Modeling of protein sequence and biophysical properties (such as structural, functional, and spatial information, amino acid conservation, physicochemical variation, residue mobility, and thermodynamic stability) indicates that this missense variant is not expected to disrupt TNFRSF13B protein function with a negative predictive value of 95%. In summary, the available evidence is currently insufficient to determine the role of this variant in disease. Therefore, it has been classified as a Variant of Uncertain Significance.

NM_012452.3(TNFRSF13B):c.109G>C (p.Glu37Gln)

Gene: TNFRSF13B (TNF receptor superfamily member 13B; minus strand). Cytogenetic location: 17p11.2.
Variant type: single nucleotide variant.
Coding change: c.109G>C on transcript NM_012452.3 (MANE Select); coding-DNA position 109, G replaced by C.
Protein change: p.Glu37Gln; replaces glutamic acid 37 with glutamine.
Molecular consequence: missense variant.
Genome position (GRCh38, 1-based): chr17:16,952,536, C>G on the plus strand (G>C on the coding strand, the complement: TNFRSF13B is on the minus strand). VCF-style: chr17-16952536-C-G. GRCh37 (hg19) VCF-style: chr17-16855850-C-G.
Other names: short protein forms E37Q.
Identifiers: ClinVar variation 3001521 (VCV003001521.3), dbSNP rs752740455, ClinGen allele CA8414112.